The following is an entry in ClinVar:

NM_032638.5(GATA2):c.235C>G (p.Leu79Val)

Gene: GATA2 (GATA binding protein 2; minus strand). Cytogenetic location: 3q21.3.
Variant type: single nucleotide variant.
Coding change: c.235C>G on transcript NM_032638.5 (MANE Select); coding-DNA position 235, C replaced by G.
Protein change: p.Leu79Val; replaces leucine 79 with valine.
Molecular consequence: missense variant.
Genome position (GRCh38, 1-based): chr3:128,486,363, G>C on the plus strand (C>G on the coding strand, the complement: GATA2 is on the minus strand). VCF-style: chr3-128486363-G-C. GRCh37 (hg19) VCF-style: chr3-128205206-G-C.
Other names: c.235C>G (NM_032638.4); c.235C>G, p.Leu79Val (NM_001145661.2, NM_001145662.1); short protein forms L79V.
Identifiers: ClinVar variation 1418513 (VCV001418513.7), dbSNP rs1476440293, ClinGen allele CA354407960.
Genomic context (GRCh38, chr3:128,486,363, plus strand): 5'-CCAGCCAGGGCAAACCCGGGCTGTGCAACAAGTGTGGGCGGCACATCTGGCCTCCGGTCA[G>C]GCGGGCTGCGGGCAAAGAGAGAGAGGATCAGGGTGGGCAGAAAGATCAGGGTAGGCAGAG-3'
Protein context (NP_116027.2, residues 69-89): RVSYSPAHAR[Leu79Val]TGGQMCRPHL

ClinVar aggregate classification (germline): Uncertain significance. Review status: criteria provided, multiple submitters, no conflicts (2 of 4 stars). 2 submissions from 2 submitters: Uncertain significance (2). Last evaluated 2025-06-26.

Conditions:
Inborn genetic diseases. Identifiers: MedGen C0950123, MeSH D030342.
Monocytopenia with susceptibility to infections. Also called: GATA2 DEFICIENCY; MONOCYTOPENIA AND MYCOBACTERIAL INFECTION SYNDROME; MONOCYTOPENIA WITH SUSCEPTIBILITY TO MYCOBACTERIAL, FUNGAL, AND PAPILLOMAVIRUS INFECTIONS AND MYELODYSPLASIA; COMBINED IMMUNODEFICIENCY WITH SUSCEPTIBILITY TO MYCOBACTERIAL, VIRAL, AND FUNGAL INFECTIONS; Dendritic cell, monocyte, B lymphocyte, and natural killer lymphocyte deficiency; IMMUNODEFICIENCY 21. Identifiers: Orphanet 228423, MedGen C3280030, MONDO:0013607, OMIM 614172.
Deafness-lymphedema-leukemia syndrome. Also called: Lymphedema, primary, with myelodysplasia; Emberger syndrome. Identifiers: Orphanet 3226, MedGen C3279664, MONDO:0013540, OMIM 614038.

Allele frequency attached by ClinVar (database versions not stated): TOPMed below 0.00001; gnomAD 0.00001.
gnomAD v4.1: 3 of 1,599,876 alleles (0.00019%); highest among the groups gnomAD compares: Non-Finnish European, 0.00025%; no homozygotes.

Submissions (2):

Ambry Genetics
Classification: Uncertain significance for Inborn genetic diseases. Last evaluated: 2025-06-26. Review status: criteria provided, single submitter. Criteria: Ambry Variant Classification Scheme 2023. Collection method: clinical testing. Allele origin: germline.
Comment: The p.L79V variant (also known as c.235C>G), located in coding exon 2 of the GATA2 gene, results from a C to G substitution at nucleotide position 235. The leucine at codon 79 is replaced by valine, an amino acid with highly similar properties. This amino acid position is conserved. In addition, the in silico prediction for this alteration is inconclusive. Based on the available evidence, the clinical significance of this variant remains unclear.

Labcorp Genetics (formerly Invitae), Labcorp
Classification: Uncertain significance for Monocytopenia with susceptibility to infections; Deafness-lymphedema-leukemia syndrome. Last evaluated: 2022-10-04. Review status: criteria provided, single submitter. Criteria: Invitae Variant Classification Sherloc (09022015). Collection method: clinical testing. Allele origin: germline.
Comment: Advanced modeling of protein sequence and biophysical properties (such as structural, functional, and spatial information, amino acid conservation, physicochemical variation, residue mobility, and thermodynamic stability) performed at Invitae indicates that this missense variant is not expected to disrupt GATA2 protein function. ClinVar contains an entry for this variant (Variation ID: 1418513). This variant has not been reported in the literature in individuals affected with GATA2-related conditions. This variant is not present in population databases (gnomAD no frequency). This sequence change replaces leucine, which is neutral and non-polar, with valine, which is neutral and non-polar, at codon 79 of the GATA2 protein (p.Leu79Val). In summary, the available evidence is currently insufficient to determine the role of this variant in disease. Therefore, it has been classified as a Variant of Uncertain Significance.